The following is an entry in ClinVar:

ClinVar aggregate classification (germline): Likely pathogenic (1 of 4 stars; one submission).

Conditions:
Neuronal ceroid lipofuscinosis. Also called: Neuronal Ceroid Lipofuscinoses. Identifiers: Orphanet 216, Orphanet 79263, MedGen C0027877, MONDO:0016295. Disease mechanism: loss of function.

Submission:

Labcorp Genetics (formerly Invitae), Labcorp
Classification: Likely pathogenic for Neuronal ceroid lipofuscinosis. Last evaluated: 2022-07-26. Review status: criteria provided, single submitter. Criteria: Invitae Variant Classification Sherloc (09022015). Collection method: clinical testing. Allele origin: germline.
Comment: This sequence change affects an acceptor splice site in intron 12 of the CLN3 gene. It is expected to disrupt RNA splicing. Variants that disrupt the donor or acceptor splice site typically lead to a loss of protein function (PMID: 16199547), and loss-of-function variants in CLN3 are known to be pathogenic (PMID: 9311735, 28542676). Algorithms developed to predict the effect of sequence changes on RNA splicing suggest that this variant may disrupt the consensus splice site. ClinVar contains an entry for this variant (Variation ID: 1508429). This variant has not been reported in the literature in individuals affected with CLN3-related conditions. This variant is not present in population databases (gnomAD no frequency). In summary, the currently available evidence indicates that the variant is pathogenic, but additional data are needed to prove that conclusively. Therefore, this variant has been classified as Likely Pathogenic.

Literature cited by the submitters: PubMed 16199547; PubMed 9311735; PubMed 28542676.

NM_001042432.2(CLN3):c.907-2A>G

Gene: CLN3 (CLN3 lysosomal/endosomal transmembrane protein, battenin; minus strand). Cytogenetic location: 16p12.1.
Variant type: single nucleotide variant.
Coding change: c.907-2A>G on transcript NM_001042432.2 (MANE Select); the canonical splice acceptor site of the intron before coding-DNA position 907, A replaced by G.
Molecular consequence: splice acceptor variant.
Genome position (GRCh38, 1-based): chr16:28,482,384, T>C on the plus strand (A>G on the coding strand, the complement: CLN3 is on the minus strand). VCF-style: chr16-28482384-T-C. GRCh37 (hg19) VCF-style: chr16-28493705-T-C.
Other names: c.673-2A>G (NM_001286109.2); c.835-2A>G (NM_001286104.2); c.607-2A>G (NM_001286105.2); c.745-2A>G (NM_001286110.2); c.907-2A>G (NM_000086.2).
Identifiers: ClinVar variation 1508429 (VCV001508429.6), dbSNP rs2141703433, ClinGen allele CA395344380.